The following is an entry in ClinVar:

NM_001429.4(EP300):c.3680A>G (p.Asn1227Ser)

Gene: EP300 (EP300 lysine acetyltransferase; plus strand). Cytogenetic location: 22q13.2.
Variant type: single nucleotide variant.
Coding change: c.3680A>G on transcript NM_001429.4 (MANE Select); coding-DNA position 3680, A replaced by G.
Protein change: p.Asn1227Ser; replaces asparagine 1227 with serine.
Molecular consequence: missense variant.
Genome position (GRCh38, 1-based): chr22:41,162,731, A>G. VCF-style: chr22-41162731-A-G. GRCh37 (hg19) VCF-style: chr22-41558735-A-G.
Other names: c.3602A>G, p.Asn1201Ser (NM_001362843.2); short protein forms N1201S, N1227S.
Identifiers: ClinVar variation 5020187 (VCV005020187.1).

ClinVar aggregate classification (germline): Uncertain significance (1 of 4 stars; one submission).

Submission:

Dasa
Classification: Uncertain significance. Last evaluated: 2026-07-17. Review status: criteria provided, single submitter. Criteria: DASA Assertion Criteria. Collection method: clinical testing. Allele origin: germline.
Comment: NM_001429.4(EP300):c.3680A>G (p.Asn1227Ser) is a missense variant that results in the substitution of asparagine with serine. This variant is rare in population databases. The currently available literature and clinical evidence are not sufficient to establish a definitive association between this variant and the reported condition. Therefore, this variant is classified as a variant of uncertain significance.